The following is an entry in ClinVar:

NM_033380.3(COL4A5):c.2537G>A (p.Gly846Glu)

Gene: COL4A5 (collagen type IV alpha 5 chain; plus strand). Cytogenetic location: Xq22.3.
Variant type: single nucleotide variant.
Coding change: c.2537G>A on transcript NM_033380.3 (MANE Select); coding-DNA position 2537, G replaced by A.
Protein change: p.Gly846Glu; replaces glycine 846 with glutamic acid.
Molecular consequence: missense variant.
Genome position (GRCh38, 1-based): chrX:108,620,286, G>A. VCF-style: chrX-108620286-G-A. GRCh37 (hg19) VCF-style: chrX-107863516-G-A.
Other names: c.2537G>A, p.Gly846Glu (NM_000495.5); short protein forms G846E.
Identifiers: ClinVar variation 599105 (VCV000599105.6), dbSNP rs1569497690, ClinGen allele CA413851304.

ClinVar aggregate classification (germline): Likely pathogenic. Review status: criteria provided, single submitter (1 of 4 stars). 2 submissions from 2 submitters: Likely pathogenic (1). 1 of the submissions does not count toward it. Last evaluated 2018-05-22.

Conditions:
Rare genetic deafness. Identifiers: Orphanet 96210, MedGen C5680250.
X-linked Alport syndrome (ATS1). Also called: NEPHROPATHY AND DEAFNESS, X-LINKED; COL4A5-Related Nephropathy. Identifiers: Orphanet 63, Orphanet 88917, MedGen C4746986, MONDO:0010520, OMIM 301050.

Submissions (2):

Laboratory for Molecular Medicine, Mass General Brigham Personalized Medicine
Classification: Likely pathogenic for Rare genetic deafness. Last evaluated: 2018-05-22. Review status: criteria provided, single submitter. Criteria: LMM Criteria. Collection method: clinical testing. Allele origin: germline. Inheritance: X-linked inheritance. Observed: 3 variant alleles.
Comment: The siblings had not been assessed for kidney dysfunction at the time of genetic screening by our laboratory. The p.Gly 846Glu variant was absent from large population studies. The COL4A5 protein has alpha chains that contain long collagenous Gly-X-Y repeats, and missense variant s that affect a Gly residue (such as this variant) are predicted to cause altere d folding of the collagen chains (Tryggvason 1993, Naito 1996, Savige 2016). In addition, 33% of variants identified in Alport syndrome patients reported in the literature are Gly substitutions of one of the Gly-X-Y repeats (Savige 2016). C omputational prediction tools and conservation analysis also suggest that the p. Gly846Glu variant may impact the protein. In summary, although additional studie s are required to fully establish its clinical significance, this variant is lik ely pathogenic. ACMG/AMP Criteria applied: PM1; PM2; PP1; PP3; PP4.

Bioscientia Institut fuer Medizinische Diagnostik GmbH, Sonic Healthcare
Classification: Likely pathogenic for X-linked Alport syndrome. Last evaluated: 2018-04-17. Review status: no assertion criteria provided. Collection method: clinical testing. Allele origin: germline. Affected: yes. Not counted in ClinVar's aggregate classification.

Literature cited by the submitters: PubMed 27627812 (cited by Laboratory for Molecular Medicine, Mass General Brigham Personalized Medicine); PubMed 8807602 (cited by Laboratory for Molecular Medicine, Mass General Brigham Personalized Medicine); PubMed 8433568 (cited by Laboratory for Molecular Medicine, Mass General Brigham Personalized Medicine).